The following is an entry in ClinVar:

ClinVar aggregate classification (germline): Uncertain significance (1 of 4 stars; one submission).

Conditions:
Catecholaminergic polymorphic ventricular tachycardia (CVPT). Also called: Catecholamine-induced polymorphic ventricular tachycardia. Identifiers: Orphanet 3286, MedGen C5574922, MONDO:0017990.

Submission:

All of Us Research Program, National Institutes of Health
Classification: Uncertain significance for Catecholaminergic polymorphic ventricular tachycardia. Last evaluated: 2023-02-15. Review status: criteria provided, single submitter. Criteria: ACMG Guidelines, 2015. Collection method: clinical testing. Allele origin: germline. Inheritance: Autosomal dominant inheritance. Observed: 1 variant allele, 1 heterozygote.
Comment: This missense variant replaces methionine with threonine at codon 3695 of the RYR2 protein. Computational prediction suggests that this variant may have deleterious impact on protein structure and function (internally defined REVEL score threshold >= 0.7, PMID: 27666373). To our knowledge, functional studies have not been reported for this variant. This variant has been reported in compound heterozygous state with a deletion of exon 19 (c.1827+140_1961+426del) in two siblings affected with sinus bradycardia and early lethal noncompaction cardiomyopathy (NCCM) (PMID: 33984427). This variant was inherited from their mother who had no NCCM or conduction abnormalities. Another two siblings not carrying this variant were reported to be healthy. This variant has not been identified in the general population by the Genome Aggregation Database (gnomAD). The available evidence is insufficient to determine the role of this variant in disease conclusively. Therefore, this variant is classified as a Variant of Uncertain Significance.

This study involves interpretation of variants in research participants for the purpose of population health screening. Participant phenotype was not available at the time of variant classification. Additional details can be found in publication PMID: 35346344, PMCID: PMC8962531

Literature cited by the submitters: PubMed 33984427.

NM_001035.3(RYR2):c.11084T>C (p.Met3695Thr)

Gene: RYR2 (ryanodine receptor 2; plus strand). Cytogenetic location: 1q43.
Variant type: single nucleotide variant.
Coding change: c.11084T>C on transcript NM_001035.3 (MANE Select); coding-DNA position 11084, T replaced by C.
Protein change: p.Met3695Thr; replaces methionine 3695 with threonine.
Molecular consequence: missense variant.
Genome position (GRCh38, 1-based): chr1:237,733,749, T>C. VCF-style: chr1-237733749-T-C. GRCh37 (hg19) VCF-style: chr1-237897049-T-C.
Other names: short protein forms M3695T.
Identifiers: ClinVar variation 3069371 (VCV003069371.1), dbSNP rs2527092921, ClinGen allele CA345419243.